The following is an entry in ClinVar:

ClinVar aggregate classification (germline): Conflicting classifications of pathogenicity. Review status: criteria provided, conflicting classifications (1 of 4 stars). 7 submissions from 7 submitters: Uncertain significance (2); Likely benign (3). 2 of the submissions do not count toward it. Last evaluated 2025-11-23.

Conditions:
Primary dilated cardiomyopathy (DCM). Also called: Dilated Cardiomyopathy. Identifiers: Orphanet 217604, MedGen C0007193, MeSH D002311, MONDO:0005021, HP:0001644. Inheritance: Various modes of inheritance.
Cardiomyopathy (CMYO). Also called: Cardiomyopathies. Identifiers: Orphanet 167848, MedGen C0878544, MONDO:0004994, HP:0001638. Inheritance: Various modes of inheritance.
Charcot-Marie-Tooth disease type 2. Also called: Charcot-Marie-Tooth type 2. Identifiers: Orphanet 64746, MedGen C0270914, MONDO:0018993.

gnomAD v4.1: 16 of 1,612,856 alleles (0.00099%); highest among the groups gnomAD compares: East Asian, 0.022%; no homozygotes.

Submissions (7):

Labcorp Genetics (formerly Invitae), Labcorp
Classification: Likely benign for Charcot-Marie-Tooth disease type 2. Last evaluated: 2025-11-23. Review status: criteria provided, single submitter. Criteria: Invitae Variant Classification Sherloc (09022015). Collection method: clinical testing. Allele origin: germline.

Blueprint Genetics
Classification: Likely benign. Last evaluated: 2023-10-11. Review status: criteria provided, single submitter. Criteria: ACMG Guidelines, 2015. Collection method: clinical testing. Allele origin: germline.

GeneDx
Classification: Uncertain significance. Last evaluated: 2023-02-06. Review status: criteria provided, single submitter. Criteria: GeneDx Variant Classification Process June 2021. Collection method: clinical testing. Allele origin: germline. Affected: yes.
Comment: Has not been previously published as pathogenic or benign to our knowledge; Not observed at significant frequency in large population cohorts (gnomAD); In silico analysis suggests this variant may impact gene splicing. In the absence of RNA/functional studies, the actual effect of this sequence change is unknown.; This variant is associated with the following publications: (PMID: 30402260)

Color Diagnostics, LLC DBA Color Health
Classification: Likely benign for Cardiomyopathy. Last evaluated: 2018-10-08. Review status: criteria provided, single submitter. Criteria: ACMG Guidelines, 2015. Collection method: clinical testing. Allele origin: germline.

Clinical Genomics, Uppaluri K&H Personalized Medicine Clinic
Classification: Uncertain significance for Primary dilated cardiomyopathy. Review status: criteria provided, single submitter. Criteria: K & H Uppaluri Personalized Medicine Clinic Variant Classification & Assertion Criteria_Updated V.1. Collection method: research. Allele origin: unknown. Inheritance: Autosomal dominant inheritance.
Comment: Potent mutations in LMNA gene can lead to structural alteration in skeletal and cardiac muscle by altering the structure of Lamin A and Lamin C. It is associated with dilated cardiomyopathy and skeletal muscle dystrophies. However no sufficient evidence is found to ascertain the role of this particular variant rs751707982, yet.

Clinical Genetics, Academic Medical Center
Classification: Benign. Review status: no assertion criteria provided. Collection method: clinical testing. Allele origin: germline. Affected: yes. Study: VKGL Data-share Consensus. Not counted in ClinVar's aggregate classification.

Laboratory of Diagnostic Genome Analysis, Leiden University Medical Center (LUMC)
Classification: Likely benign. Review status: no assertion criteria provided. Collection method: clinical testing. Allele origin: germline. Affected: yes. Study: VKGL Data-share Consensus. Not counted in ClinVar's aggregate classification.

Literature cited by the submitters: PubMed 11102973 (cited by Clinical Genomics, Uppaluri K&H Personalized Medicine Clinic); PubMed 33407844 (cited by Clinical Genomics, Uppaluri K&H Personalized Medicine Clinic); PubMed 32818388 (cited by Clinical Genomics, Uppaluri K&H Personalized Medicine Clinic); PubMed 29952368 (cited by Clinical Genomics, Uppaluri K&H Personalized Medicine Clinic); PubMed 29237675 (cited by Clinical Genomics, Uppaluri K&H Personalized Medicine Clinic).

NM_170707.4(LMNA):c.937-8C>G

Gene: LMNA (lamin A/C; plus strand). Cytogenetic location: 1q22.
Variant type: single nucleotide variant.
Coding change: c.937-8C>G on transcript NM_170707.4 (MANE Select); 8 bases into the intron before coding-DNA position 937, C replaced by G.
Molecular consequence: intron variant.
Genome position (GRCh38, 1-based): chr1:156,135,893, C>G. VCF-style: chr1-156135893-C-G. GRCh37 (hg19) VCF-style: chr1-156105684-C-G.
Other names: c.937-8C>G (NM_001282625.2, NM_001282626.2, NM_170708.4 and 1 more transcripts); c.601-8C>G (NM_001257374.3); c.694-8C>G (NM_001282624.2).
Identifiers: ClinVar variation 629489 (VCV000629489.15), dbSNP rs751707982, ClinGen allele CA054893.